The following is an entry in ClinVar:

ClinVar aggregate classification (germline): Likely benign (1 of 4 stars; one submission).

Conditions:
Familial thoracic aortic aneurysm and aortic dissection (TAAD). Also called: Thoracic aortic aneurysms and dissections. Identifiers: Orphanet 91387, MedGen C4707243, MONDO:0019625.

Submission:

All of Us Research Program, National Institutes of Health
Classification: Likely benign for Familial thoracic aortic aneurysm and aortic dissection. Last evaluated: 2024-07-20. Review status: criteria provided, single submitter. Criteria: ACMG Guidelines, 2015. Collection method: clinical testing. Allele origin: germline. Inheritance: Autosomal dominant inheritance. Observed: 1 variant allele, 1 heterozygote.
Comment: This study involves interpretation of variants in research participants for the purpose of population health screening. Participant phenotype was not available at the time of variant classification. Additional details can be found in publication PMID: 35346344, PMCID: PMC8962531

NM_002474.3(MYH11):c.3369C>T (p.Leu1123=)

Gene: MYH11 (myosin heavy chain 11; minus strand). Cytogenetic location: 16p13.11.
Variant type: single nucleotide variant.
Coding change: c.3369C>T on transcript NM_002474.3 (MANE Select); coding-DNA position 3369, C replaced by T.
Protein change: p.Leu1123=; no amino-acid change (leucine 1123 retained).
Molecular consequence: synonymous variant.
Genome position (GRCh38, 1-based): chr16:15,735,503, G>A on the plus strand (C>T on the coding strand, the complement: MYH11 is on the minus strand). VCF-style: chr16-15735503-G-A. GRCh37 (hg19) VCF-style: chr16-15829360-G-A.
Other names: c.3390C>T, p.Leu1130= (NM_001040113.2, NM_001040114.2); c.3369C>T, p.Leu1123= (NM_022844.3).
Identifiers: ClinVar variation 3387197 (VCV003387197.1).
Genomic context (GRCh38, chr16:15,735,503, plus strand): 5'-GTCTCGCTTCTGCTTTTCAGCCTTGTTCCTGGCGGCCCGCTCTGAGTCCAGGTCCTCCTG[G>A]AGGTCTGAGATGTGGCCCTCCAGCTCCCGGATCTTCTTCAGGGCATTGTTCTTCTGAGCG-3'
Protein context (NP_002465.1, residues 1113-1133): IRELEGHISD[Leu1123=]QEDLDSERAA